The following is an entry in ClinVar:

ClinVar aggregate classification (germline): Uncertain significance. Review status: criteria provided, multiple submitters, no conflicts (2 of 4 stars). 2 submissions from 2 submitters: Uncertain significance (2). Last evaluated 2025-12-25.

Conditions:
Inborn genetic diseases. Identifiers: MedGen C0950123, MeSH D030342.

Allele frequency attached by ClinVar (database versions not stated): gnomAD exomes 0.00005; ESP Exome Variant Server 0.00015; ExAC 0.00016; 1000 Genomes Project 30x 0.00031; 1000 Genomes Project 0.00040.
gnomAD v4.1: 83 of 1,614,134 alleles (0.0051%); highest among the groups gnomAD compares: South Asian, 0.06%; no homozygotes.

Submissions (2):

Labcorp Genetics (formerly Invitae), Labcorp
Classification: Uncertain significance. Last evaluated: 2025-12-25. Review status: criteria provided, single submitter. Criteria: Invitae Variant Classification Sherloc (09022015). Collection method: clinical testing. Allele origin: germline.
Comment: This sequence change replaces arginine, which is basic and polar, with cysteine, which is neutral and slightly polar, at codon 2995 of the DNAH9 protein (p.Arg2995Cys). This variant is present in population databases (rs139728867, gnomAD 0.08%). This variant has not been reported in the literature in individuals affected with DNAH9-related conditions. ClinVar contains an entry for this variant (Variation ID: 2043807). An algorithm developed to predict the effect of missense changes on protein structure and function outputs the following: PolyPhen-2: "Benign". The cysteine amino acid residue is found in multiple mammalian species, which suggests that this missense change does not adversely affect protein function. In summary, the available evidence is currently insufficient to determine the role of this variant in disease. Therefore, it has been classified as a Variant of Uncertain Significance.

Ambry Genetics
Classification: Uncertain significance for Inborn genetic diseases. Last evaluated: 2023-12-18. Review status: criteria provided, single submitter. Criteria: Ambry Variant Classification Scheme 2023. Collection method: clinical testing. Allele origin: germline.

NM_001372.4(DNAH9):c.8983C>T (p.Arg2995Cys)

Gene: DNAH9 (dynein axonemal heavy chain 9; plus strand). Cytogenetic location: 17p12.
Variant type: single nucleotide variant.
Coding change: c.8983C>T on transcript NM_001372.4 (MANE Select); coding-DNA position 8983, C replaced by T.
Protein change: p.Arg2995Cys; replaces arginine 2995 with cysteine.
Molecular consequence: missense variant.
Genome position (GRCh38, 1-based): chr17:11,822,570, C>T. VCF-style: chr17-11822570-C-T. GRCh37 (hg19) VCF-style: chr17-11725887-C-T.
Other names: c.8983C>T (NM_001372.3); short protein forms R2995C.
Identifiers: ClinVar variation 2043807 (VCV002043807.4), dbSNP rs139728867, ClinGen allele CA8397100.